The following is an entry in ClinVar:

NM_004656.4(BAP1):c.1408G>C (p.Gly470Arg)

Gene: BAP1 (BRCA1 associated deubiquitinase 1; minus strand). Cytogenetic location: 3p21.1.
Variant type: single nucleotide variant.
Coding change: c.1408G>C on transcript NM_004656.4 (MANE Select); coding-DNA position 1408, G replaced by C.
Protein change: p.Gly470Arg; replaces glycine 470 with arginine.
Molecular consequence: missense variant.
Genome position (GRCh38, 1-based): chr3:52,403,737, C>G on the plus strand (G>C on the coding strand, the complement: BAP1 is on the minus strand). VCF-style: chr3-52403737-C-G. GRCh37 (hg19) VCF-style: chr3-52437753-C-G.
Other names: c.1354G>C, p.Gly452Arg (NM_001410772.1); short protein forms G452R, G470R.
Identifiers: ClinVar variation 2976690 (VCV002976690.4), dbSNP rs576538858, ClinGen allele CA353101523.

ClinVar aggregate classification (germline): Uncertain significance. Review status: criteria provided, multiple submitters, no conflicts (2 of 4 stars). 2 submissions from 2 submitters: Uncertain significance (2). Last evaluated 2025-12-15.

Conditions:
BAP1-related tumor predisposition syndrome (TPDS1). Also called: BAP1 tumor predisposition syndrome; COMMON Syndrome; TUMOR PREDISPOSITION SYNDROME 1; Tumor susceptibility linked to germline BAP1 mutations. Identifiers: Orphanet 289539, MedGen C3280492, MONDO:0013692, OMIM 614327.
Hereditary cancer-predisposing syndrome. Also called: Neoplastic Syndromes, Hereditary; Hereditary neoplastic syndrome; Hereditary Cancer Syndrome; Tumor predisposition. Identifiers: Orphanet 140162, MedGen C0027672, MeSH D009386, MONDO:0015356.

Submissions (2):

Color Diagnostics, LLC DBA Color Health
Classification: Uncertain significance for Hereditary cancer-predisposing syndrome. Last evaluated: 2025-12-15. Review status: criteria provided, single submitter. Criteria: ACMG Guidelines, 2015. Collection method: clinical testing. Allele origin: germline.
Comment: This missense variant replaces glycine with arginine at codon 470 of the BAP1 protein. Computational prediction suggests that this variant may not impact protein structure and function. To our knowledge, functional studies have not been reported for this variant. This variant has not been reported in individuals affected with BAP1-related disorders in the literature. This variant has not been identified in the general population by the Genome Aggregation Database (gnomAD). The available evidence is insufficient to determine the role of this variant in disease conclusively. Therefore, this variant is classified as a Variant of Uncertain Significance.

Labcorp Genetics (formerly Invitae), Labcorp
Classification: Uncertain significance for BAP1-related tumor predisposition syndrome. Last evaluated: 2023-12-31. Review status: criteria provided, single submitter. Criteria: Invitae Variant Classification Sherloc (09022015). Collection method: clinical testing. Allele origin: germline.
Comment: This sequence change replaces glycine, which is neutral and non-polar, with arginine, which is basic and polar, at codon 470 of the BAP1 protein (p.Gly470Arg). This variant is not present in population databases (gnomAD no frequency). This variant has not been reported in the literature in individuals affected with BAP1-related conditions. Advanced modeling of protein sequence and biophysical properties (such as structural, functional, and spatial information, amino acid conservation, physicochemical variation, residue mobility, and thermodynamic stability) performed at Invitae indicates that this missense variant is not expected to disrupt BAP1 protein function with a negative predictive value of 80%. In summary, the available evidence is currently insufficient to determine the role of this variant in disease. Therefore, it has been classified as a Variant of Uncertain Significance.